The following is an entry in ClinVar:

NM_015335.5(MED13L):c.4120del (p.Glu1374fs)

Gene: MED13L (mediator complex subunit 13L; minus strand). Cytogenetic location: 12q24.21.
Variant type: Deletion.
Coding change: c.4120del on transcript NM_015335.5 (MANE Select); coding-DNA position 4120, one base deleted (G; older notation c.4120delG).
Protein change: p.Glu1374fs; shifts the reading frame from glutamic acid 1374.
Molecular consequence: frameshift variant.
Genome position (GRCh38, 1-based): chr12:115,986,484, C deleted on the plus strand (G on the coding strand, the reverse complement: MED13L is on the minus strand); the first of 2 consecutive C bases (chr12:115,986,484-115,986,485); deleting either gives the same sequence. VCF-style (leftmost placement, unchanged base first): chr12-115986483-TC-T. GRCh37 (hg19) VCF-style: chr12-116424288-TC-T.
Other names: c.4120del (NM_015335.4); c.4120delG (NM_015335.4); short protein forms E1374fs.
Identifiers: ClinVar variation 984812 (VCV000984812.3), dbSNP rs1877698147, ClinGen allele CA1139662921.

ClinVar aggregate classification (germline): Pathogenic (1 of 4 stars; one submission).

Conditions:
Cardiac anomalies - developmental delay - facial dysmorphism syndrome (MRFACD). Also called: Impaired intellectual development and distinctive facial features with or without cardiac defects; MED13L Syndrome. Identifiers: Orphanet 369891, MedGen C5192431, MONDO:0014773, OMIM 616789.

Submission:

Dubai Health Genomic Medicine Center, Dubai Health
Classification: Pathogenic for Impaired intellectual development and distinctive facial features with or without cardiac defects. Last evaluated: 2024-10-04. Review status: criteria provided, single submitter. Criteria: ACMG Guidelines, 2015. Collection method: research. Allele origin: germline. Affected: yes.
Comment: PVS1,PS2,PM2